The following is an entry in ClinVar:

NM_000169.3(GLA):c.100A>C (p.Asn34His)

Genes: GLA (galactosidase alpha; minus strand), RPL36A-HNRNPH2 (RPL36A-HNRNPH2 readthrough; plus strand). Cytogenetic location: Xq22.1.
Variant type: single nucleotide variant.
Coding change: c.100A>C on transcript NM_000169.3 (MANE Select); coding-DNA position 100, A replaced by C.
Protein change: p.Asn34His; replaces asparagine 34 with histidine.
Molecular consequence: missense variant. On other transcripts: non-coding transcript variant (3), intron variant (2).
Genome position (GRCh38, 1-based): chrX:101,407,804, T>G on the plus strand (A>C on the coding strand, the complement: GLA is on the minus strand). VCF-style: chrX-101407804-T-G. GRCh37 (hg19) VCF-style: chrX-100662792-T-G.
Other names: c.100A>C, p.Asn34His (NM_001406747.1, NM_001406748.1, NM_001406749.1); c.301-4132T>G (NM_001199973.2); c.178-4132T>G (NM_001199974.2); short protein forms N34H.
Identifiers: ClinVar variation 4087451 (VCV004087451.2).

ClinVar aggregate classification (germline): Likely pathogenic (1 of 4 stars; one submission).

Conditions:
Fabry disease. Also called: ALPHA-GALACTOSIDASE A DEFICIENCY; ANDERSON-FABRY DISEASE; CERAMIDE TRIHEXOSIDASE DEFICIENCY; GLA DEFICIENCY; HEREDITARY DYSTOPIC LIPIDOSIS; Angiokeratoma corporis diffusum. Identifiers: Orphanet 324, MedGen C0002986, MONDO:0010526, OMIM 301500, HP:0001071. Disease mechanism: Fabry disease is due to inactivating mutations in the X-linked GLA gene resulting in deficiency of the enzyme Alpha Galactosidase-A., loss of function.

Submission:

Genomenon, Inc
Classification: Likely pathogenic for Fabry disease. Last evaluated: 2026-09-08. Review status: criteria provided, single submitter. Criteria: Genomenon Sequence Variant Interpretation Standards - Updated. Collection method: curation. Allele origin: germline. Affected: yes.
Comment: GLA p.Asn34His (c.100A>C) is a missense variant that changes the amino acid at codon 34 from Asparagine to Histidine. This variant has been observed in at least one proband with clinical features consistent with Fabry disease (PMID:39595144;40760696;28006774;31568064;34906154). The variant was found to segregate with disease in at least one affected family (PMID:28006774;34906154). Functional or patient cell studies have been reported (PMID:28006774;34906154). It is absent or not present at a significant frequency in gnomAD. In silico models predict that this variant is possibly or probably damaging. In conclusion, we classify GLA p.Asn34His (c.100A>C) as a likely pathogenic variant.

Literature cited by the submitters: PubMed 39595144; PubMed 40760696; PubMed 28006774; PubMed 31568064; PubMed 34906154.